The following is an entry in ClinVar:

ClinVar aggregate classification (germline): Conflicting classifications of pathogenicity. Review status: criteria provided, conflicting classifications (1 of 4 stars). 9 submissions from 9 submitters: Uncertain significance (1); Benign (4); Likely benign (4). Last evaluated 2026-02-02.

Conditions:
Inborn genetic diseases. Identifiers: MedGen C0950123, MeSH D030342.
Charcot-Marie-Tooth disease axonal type 2O. Also called: Charcot-Marie-Tooth disease, axonal, type 20; CHARCOT-MARIE-TOOTH NEUROPATHY, AXONAL, TYPE 2O; CHARCOT-MARIE-TOOTH DISEASE, AXONAL, AUTOSOMAL DOMINANT, TYPE 2O; Charcot-Marie-Tooth Neuropathy Type 2O. Identifiers: Orphanet 284232, MedGen C3280220, MONDO:0013644, OMIM 614228.

Allele frequency attached by ClinVar (database versions not stated): 1000 Genomes Project 0.00200; 1000 Genomes Project 30x 0.00203; ESP Exome Variant Server 0.00261; gnomAD 0.00261; TOPMed 0.00268.
gnomAD v4.1: 720 of 1,614,140 alleles (0.045%); highest among the groups gnomAD compares: African/African-American, 0.86%; 5 homozygotes.

Submissions (9):

Labcorp Genetics (formerly Invitae), Labcorp
Classification: Benign for Charcot-Marie-Tooth disease axonal type 2O. Last evaluated: 2026-02-02. Review status: criteria provided, single submitter. Criteria: Invitae Variant Classification Sherloc (09022015). Collection method: clinical testing. Allele origin: germline.

CeGaT Center for Human Genetics Tuebingen
Classification: Likely benign. Last evaluated: 2024-09-01. Review status: criteria provided, single submitter. Criteria: CeGaT Center For Human Genetics Tuebingen Variant Classification Criteria Version 2. Collection method: clinical testing. Allele origin: germline. Affected: yes. Observed: 1 variant allele.
Comment: DYNC1H1: BP4, BP7, BS1

Blueprint Genetics
Classification: Likely benign. Last evaluated: 2023-06-29. Review status: criteria provided, single submitter. Criteria: ACMG Guidelines, 2015. Collection method: clinical testing. Allele origin: germline.

Mayo Clinic Laboratories, Mayo Clinic
Classification: Benign. Last evaluated: 2023-06-05. Review status: criteria provided, single submitter. Criteria: ACMG Guidelines, 2015. Collection method: clinical testing. Allele origin: germline. Observed: 2 variant alleles.
Comment: BS1, BS2, BP4, BP7

GeneDx
Classification: Benign. Last evaluated: 2017-06-02. Review status: criteria provided, single submitter. Criteria: GeneDx Variant Classification (06012015). Collection method: clinical testing. Allele origin: germline. Affected: yes.
Comment: This variant is considered likely benign or benign based on one or more of the following criteria: it is a conservative change, it occurs at a poorly conserved position in the protein, it is predicted to be benign by multiple in silico algorithms, and/or has population frequency not consistent with disease.

Athena Diagnostics
Classification: Benign. Last evaluated: 2017-04-28. Review status: criteria provided, single submitter. Criteria: Athena Diagnostics Criteria. Collection method: clinical testing. Allele origin: germline.

Eurofins Ntd Llc (ga)
Classification: Likely benign. Last evaluated: 2017-01-25. Review status: criteria provided, single submitter. Criteria: EGL Classification Definitions 2015. Collection method: clinical testing. Allele origin: germline. Observed: 2 variant alleles, 2 heterozygotes.

Ambry Genetics
Classification: Likely benign for Inborn genetic diseases. Last evaluated: 2016-07-01. Review status: criteria provided, single submitter. Criteria: Ambry Variant Classification Scheme 2023. Collection method: clinical testing. Allele origin: germline.

Genetic Services Laboratory, University of Chicago
Classification: Uncertain significance. Last evaluated: 2015-01-21. Review status: criteria provided, single submitter. Criteria: ACMG Guidelines, 2015. Collection method: clinical testing. Allele origin: germline.

NM_001376.5(DYNC1H1):c.9138G>T (p.Ser3046=)

Genes: DYNC1H1 (dynein cytoplasmic 1 heavy chain 1; plus strand), LOC126862060 (BRD4-independent group 4 enhancer GRCh37_chr14:102493659-102494858; plus strand). Cytogenetic location: 14q32.31.
Variant type: single nucleotide variant.
Coding change: c.9138G>T on transcript NM_001376.5 (MANE Select); coding-DNA position 9138, G replaced by T.
Protein change: p.Ser3046=; no amino-acid change (serine 3046 retained).
Molecular consequence: synonymous variant.
Genome position (GRCh38, 1-based): chr14:102,027,708, G>T. VCF-style: chr14-102027708-G-T. GRCh37 (hg19) VCF-style: chr14-102494045-G-T.
Other names: p.Ser3046=.
Identifiers: ClinVar variation 210887 (VCV000210887.41), dbSNP rs34338935, ClinGen allele CA209399.